The following is an entry in ClinVar:

ClinVar aggregate classification (germline): Uncertain significance (1 of 4 stars; one submission).

Conditions:
SCAPER-related disorder. Also called: SCAPER-related condition.

gnomAD v4.1: 2 of 1,612,952 alleles (0.00012%); highest among the groups gnomAD compares: African/African-American, 0.0027%; no homozygotes.

Submission:

PreventionGenetics, part of Exact Sciences
Classification: Uncertain significance for SCAPER-related condition. Last evaluated: 2026-01-22. Review status: criteria provided, single submitter. Criteria: ACMG Guidelines, 2015. Collection method: clinical testing. Allele origin: germline.
Comment: The SCAPER c.577G>A variant is predicted to result in the amino acid substitution p.Val193Ile. To our knowledge, this variant has not been reported in the literature or in a large population database (gnomAD), indicating this variant is rare. At this time, the clinical significance of this variant is uncertain due to the absence of conclusive functional and genetic evidence.

NM_020843.4(SCAPER):c.577G>A (p.Val193Ile)

Gene: SCAPER (S-phase cyclin A associated protein in the ER; minus strand). Cytogenetic location: 15q24.3.
Variant type: single nucleotide variant.
Coding change: c.577G>A on transcript NM_020843.4 (MANE Select); coding-DNA position 577, G replaced by A.
Protein change: p.Val193Ile; replaces valine 193 with isoleucine.
Molecular consequence: missense variant. On other transcripts: 5 prime UTR variant (1), non-coding transcript variant (1).
Genome position (GRCh38, 1-based): chr15:76,800,282, C>T on the plus strand (G>A on the coding strand, the complement: SCAPER is on the minus strand). VCF-style: chr15-76800282-C-T. GRCh37 (hg19) VCF-style: chr15-77092623-C-T.
Other names: c.-321G>A (NM_001145923.2); c.577G>A, p.Val193Ile (NM_001353009.2); c.175G>A, p.Val59Ile (NM_001353010.2, NM_001353011.2, NM_001353012.2); short protein forms V59I, V193I.
Identifiers: ClinVar variation 4985510 (VCV004985510.1).